The following is an entry in ClinVar:

NM_024753.5(TTC21B):c.2863A>C (p.Thr955Pro)

Gene: TTC21B (tetratricopeptide repeat domain 21B; minus strand). Cytogenetic location: 2q24.3.
Variant type: single nucleotide variant.
Coding change: c.2863A>C on transcript NM_024753.5 (MANE Select); coding-DNA position 2863, A replaced by C.
Protein change: p.Thr955Pro; replaces threonine 955 with proline.
Molecular consequence: missense variant.
Genome position (GRCh38, 1-based): chr2:165,899,775, T>G on the plus strand (A>C on the coding strand, the complement: TTC21B is on the minus strand). VCF-style: chr2-165899775-T-G. GRCh37 (hg19) VCF-style: chr2-166756285-T-G.
Other names: short protein forms T955P.
Identifiers: ClinVar variation 3347371 (VCV003347371.1).
Genomic context (GRCh38, chr2:165,899,775, plus strand): 5'-TTTAAAACTTATAAAACACAAGTGCTTTTATTGTACTGAAGTTCCTTGGACTGACCATGG[T>G]AGCAGCTTCGTTATCCTGGTCACTCTGAAGCAGTAGAGCACACTGCCGCAGGCAGGAATC-3'
Protein context (NP_079029.3, residues 945-965): LQSDQDNEAA[Thr955Pro]MMMADLMFRK

ClinVar aggregate classification (germline): Uncertain significance (0 of 4 stars; one submission).

Conditions:
TTC21B-related disorder. Also called: TTC21B-related disorders; TTC21B-related condition.

gnomAD v4.1: 4 of 1,608,758 alleles (0.00025%); highest among the groups gnomAD compares: Non-Finnish European, 0.00034%; no homozygotes.

Submission:

PreventionGenetics, part of Exact Sciences
Classification: Uncertain significance for TTC21B-related condition. Last evaluated: 2024-08-27. Review status: no assertion criteria provided. Collection method: clinical testing. Allele origin: germline.
Comment: The TTC21B c.2863A>C variant is predicted to result in the amino acid substitution p.Thr955Pro. To our knowledge, this variant has not been reported in the literature. This variant is reported in 0.00088% of alleles in individuals of European (Non-Finnish) descent in gnomAD. At this time, the clinical significance of this variant is uncertain due to the absence of conclusive functional and genetic evidence.